The following is an entry in ClinVar:

ClinVar aggregate classification (germline): Uncertain significance (1 of 4 stars; one submission).

Conditions:
Episodic ataxia type 2 (EA2). Also called: CEREBELLAR ATAXIA, PAROXYSMAL, ACETAZOLAMIDE-RESPONSIVE; CEREBELLOPATHY, HEREDITARY PAROXYSMAL; EPISODIC ATAXIA, NYSTAGMUS-ASSOCIATED; ACETAZOLAMIDE-RESPONSIVE HEREDITARY PAROXYSMAL CEREBELLAR ATAXIA; ATAXIA, EPISODIC, WITH NYSTAGMUS; ATAXIA, FAMILIAL PAROXYSMAL. Identifiers: Orphanet 97, MedGen C1720416, MONDO:0007163, OMIM 108500.
Developmental and epileptic encephalopathy, 42 (DEE42A). Also called: Epileptic encephalopathy, early infantile, 42; DEVELOPMENTAL AND EPILEPTIC ENCEPHALOPATHY 42A; EPILEPTIC ENCEPHALOPATHY, EARLY INFANTILE, 42A. Identifiers: MedGen C4310716, MONDO:0014917, OMIM 617106.

Allele frequency attached by ClinVar (database versions not stated): gnomAD 0.00001; TOPMed 0.00001.
gnomAD v4.1: 1 of 1,613,442 alleles (0.000062%); highest among the groups gnomAD compares: Non-Finnish European, 0.000085%; no homozygotes.

Submission:

Labcorp Genetics (formerly Invitae), Labcorp
Classification: Uncertain significance for Developmental and epileptic encephalopathy, 42; Episodic ataxia type 2. Last evaluated: 2023-12-16. Review status: criteria provided, single submitter. Criteria: Invitae Variant Classification Sherloc (09022015). Collection method: clinical testing. Allele origin: germline.
Comment: This sequence change falls in intron 42 of the CACNA1A gene. It does not directly change the encoded amino acid sequence of the CACNA1A protein. It affects a nucleotide within the consensus splice site. This variant is not present in population databases (gnomAD no frequency). This variant has not been reported in the literature in individuals affected with CACNA1A-related conditions. Variants that disrupt the consensus splice site are a relatively common cause of aberrant splicing (PMID: 17576681, 9536098). Algorithms developed to predict the effect of sequence changes on RNA splicing suggest that this variant is not likely to affect RNA splicing. In summary, the available evidence is currently insufficient to determine the role of this variant in disease. Therefore, it has been classified as a Variant of Uncertain Significance.

Literature cited by the submitters: PubMed 17576681; PubMed 9536098.

NM_001127222.2(CACNA1A):c.6189+6T>C

Gene: CACNA1A (calcium voltage-gated channel subunit alpha1 A; minus strand). Cytogenetic location: 19p13.13.
Variant type: single nucleotide variant.
Coding change: c.6189+6T>C on transcript NM_001127222.2 (MANE Select); 6 bases into the intron after coding-DNA position 6189, T replaced by C.
Molecular consequence: intron variant.
Genome position (GRCh38, 1-based): chr19:13,212,378, A>G on the plus strand (T>C on the coding strand, the complement: CACNA1A is on the minus strand). VCF-style: chr19-13212378-A-G. GRCh37 (hg19) VCF-style: chr19-13323192-A-G.
Other names: c.6192+6T>C (NM_001127221.2); c.6198+6T>C (NM_001174080.2); c.6207+6T>C (NM_000068.4, NM_023035.3).
Identifiers: ClinVar variation 2938227 (VCV002938227.3), dbSNP rs2054846339, ClinGen allele CA993704769.
Genomic context (GRCh38, chr19:13,212,378, plus strand): 5'-CCAGATCCCTTCCACCTGAACCACCCGGGCCCTGGGAGCCATTGGGGAGTTGGGGGACAG[A>G]GGCACCTGAGAGTTAGGCTGGCTGTTGGGCATGTCGGTAGGGGGGCCTTGTTCCGGACTC-3'